The following is an entry in ClinVar:

NM_017886.4(ULK4):c.2541C>T (p.Pro847=)

Gene: ULK4 (unc-51 like kinase 4; minus strand). Cytogenetic location: 3p22.1.
Variant type: single nucleotide variant.
Coding change: c.2541C>T on transcript NM_017886.4 (MANE Select); coding-DNA position 2541, C replaced by T.
Protein change: p.Pro847=; no amino-acid change (proline 847 retained).
Molecular consequence: synonymous variant. On other transcripts: non-coding transcript variant (1).
Genome position (GRCh38, 1-based): chr3:41,715,483, G>A on the plus strand (C>T on the coding strand, the complement: ULK4 is on the minus strand). VCF-style: chr3-41715483-G-A. GRCh37 (hg19) VCF-style: chr3-41756975-G-A.
Other names: c.2541C>T, p.Pro847= (NM_001322500.2); c.1635C>T, p.Pro545= (NM_001322501.2).
Identifiers: ClinVar variation 3035347 (VCV003035347.2), dbSNP rs371069374, ClinGen allele CA2331850.
Genomic context (GRCh38, chr3:41,715,483, plus strand): 5'-TTTTCCTCCTCAATACAATAGTACCTGTGAAGTTACGAGGTGAAGCACTACAGGCATCAG[G>A]GGGAGACACAACTTCAGCTGTTTCACTTGAACTGTTGATGGGTGTTTACGTCCAGAAACA-3'
Protein context (NP_060356.2, residues 837-857): VQVKQLKLCL[Pro847=]LMPVVLHLVT

ClinVar aggregate classification (germline): Likely benign (0 of 4 stars; one submission).

Conditions:
ULK4-related disorder. Also called: ULK4-related condition.

Allele frequency attached by ClinVar (database versions not stated): TOPMed 0.00004; gnomAD 0.00005; gnomAD exomes 0.00013; 1000 Genomes Project 0.00020; 1000 Genomes Project 30x 0.00031; ExAC 0.00031.
gnomAD v4.1: 192 of 1,614,078 alleles (0.012%); highest among the groups gnomAD compares: South Asian, 0.17%; no homozygotes.

Submission:

PreventionGenetics, part of Exact Sciences
Classification: Likely benign for ULK4-related condition. Last evaluated: 2019-08-06. Review status: no assertion criteria provided. Collection method: clinical testing. Allele origin: germline.
Comment: This variant is classified as likely benign based on ACMG/AMP sequence variant interpretation guidelines (Richards et al. 2015 PMID: 25741868, with internal and published modifications).